The following is an entry in ClinVar:

NM_152327.5(AK7):c.1040G>T (p.Gly347Val)

Gene: AK7 (adenylate kinase 7; plus strand). Cytogenetic location: 14q32.2.
Variant type: single nucleotide variant.
Coding change: c.1040G>T on transcript NM_152327.5 (MANE Select); coding-DNA position 1040, G replaced by T.
Protein change: p.Gly347Val; replaces glycine 347 with valine.
Molecular consequence: missense variant.
Genome position (GRCh38, 1-based): chr14:96,451,512, G>T. VCF-style: chr14-96451512-G-T. GRCh37 (hg19) VCF-style: chr14-96917849-G-T.
Other names: c.1040G>T, p.Gly347Val (NM_001350888.2, NM_001350890.2, NM_001350892.2); c.962G>T, p.Gly321Val (NM_001350891.2); short protein forms G321V, G347V.
Identifiers: ClinVar variation 2961448 (VCV002961448.1), dbSNP rs780991483, ClinGen allele CA7337729.
Genomic context (GRCh38, chr14:96,451,512, plus strand): 5'-TAAGAATGGAAGCGCTCTTTGTGAAGGAGAATTTTAATATTCGATGGGCTGCCCAAACAG[G>T]ATTTGTGGAAAATATCAACACTATCCTCAAGGAGTACAAGCAAAGCAGAGGATTGATGGT-3'
Protein context (NP_689540.2, residues 337-357): NFNIRWAAQT[Gly347Val]FVENINTILK

ClinVar aggregate classification (germline): Uncertain significance (1 of 4 stars; one submission).

Allele frequency attached by ClinVar (database versions not stated): TOPMed below 0.00001; ExAC 0.00001; gnomAD 0.00001.
gnomAD v4.1: 5 of 1,600,248 alleles (0.00031%); highest among the groups gnomAD compares: African/African-American, 0.0013%; no homozygotes.

Submission:

Labcorp Genetics (formerly Invitae), Labcorp
Classification: Uncertain significance. Last evaluated: 2023-08-11. Review status: criteria provided, single submitter. Criteria: Invitae Variant Classification Sherloc (09022015). Collection method: clinical testing. Allele origin: germline.
Comment: This sequence change replaces glycine, which is neutral and non-polar, with valine, which is neutral and non-polar, at codon 347 of the AK7 protein (p.Gly347Val). The frequency data for this variant in the population databases is considered unreliable, as metrics indicate poor data quality at this position in the gnomAD database. This variant has not been reported in the literature in individuals affected with AK7-related conditions. Advanced modeling of protein sequence and biophysical properties (such as structural, functional, and spatial information, amino acid conservation, physicochemical variation, residue mobility, and thermodynamic stability) performed at Invitae indicates that this missense variant is expected to disrupt AK7 protein function. In summary, the available evidence is currently insufficient to determine the role of this variant in disease. Therefore, it has been classified as a Variant of Uncertain Significance.